The following is an entry in ClinVar:

ClinVar aggregate classification (germline): Conflicting classifications of pathogenicity. Review status: criteria provided, conflicting classifications (1 of 4 stars). 2 submissions from 2 submitters: Likely pathogenic (1); Uncertain significance (1). Last evaluated 2022-04-06.

Conditions:
5-Oxoprolinase deficiency (OPLAHD). Also called: 5-OXOPROLINURIA DUE TO 5-OXOPROLINASE DEFICIENCY. Identifiers: Orphanet 33572, MedGen C0268525, MONDO:0009825, OMIM 260005, HP:0040142.

Allele frequency attached by ClinVar (database versions not stated): TOPMed 0.00002; ExAC 0.00003; gnomAD exomes 0.00003.
gnomAD v4.1: 50 of 1,603,284 alleles (0.0031%); highest among the groups gnomAD compares: East Asian, 0.0045%; 1 homozygote.

Submissions (2):

Labcorp Genetics (formerly Invitae), Labcorp
Classification: Uncertain significance for 5-Oxoprolinase deficiency. Last evaluated: 2022-04-06. Review status: criteria provided, single submitter. Criteria: Invitae Variant Classification Sherloc (09022015). Collection method: clinical testing. Allele origin: germline.
Comment: In summary, the available evidence is currently insufficient to determine the role of this variant in disease. Therefore, it has been classified as a Variant of Uncertain Significance. Algorithms developed to predict the effect of sequence changes on RNA splicing suggest that this variant may create or strengthen a splice site. Algorithms developed to predict the effect of missense changes on protein structure and function are either unavailable or do not agree on the potential impact of this missense change (SIFT: "Not Available"; PolyPhen-2: "Possibly Damaging"; Align-GVGD: "Not Available"). ClinVar contains an entry for this variant (Variation ID: 1048076). This missense change has been observed in individual(s) with 5-oxoprolinase deficiency (PMID: 27477828). This variant is present in population databases (rs781785267, gnomAD 0.004%). This sequence change replaces serine, which is neutral and polar, with leucine, which is neutral and non-polar, at codon 220 of the OPLAH protein (p.Ser220Leu).

Centre for Inherited Metabolic Diseases, Karolinska University Hospital
Classification: Likely pathogenic for 5-Oxoprolinase deficiency. Last evaluated: 2021-03-22. Review status: criteria provided, single submitter. Criteria: ACMG Guidelines, 2015. Collection method: clinical testing. Allele origin: germline. Inheritance: Autosomal recessive inheritance. Affected: yes. Observed: 1 homozygote.

Literature cited by the submitters: PubMed 27477828 (cited by Labcorp Genetics (formerly Invitae), Labcorp).

NM_017570.5(OPLAH):c.659C>T (p.Ser220Leu)

Gene: OPLAH (5-oxoprolinase, ATP-hydrolysing; minus strand). Cytogenetic location: 8q24.3.
Variant type: single nucleotide variant.
Coding change: c.659C>T on transcript NM_017570.5 (MANE Select); coding-DNA position 659, C replaced by T.
Protein change: p.Ser220Leu; replaces serine 220 with leucine.
Molecular consequence: missense variant.
Genome position (GRCh38, 1-based): chr8:144,058,620, G>A on the plus strand (C>T on the coding strand, the complement: OPLAH is on the minus strand). VCF-style: chr8-144058620-G-A. GRCh37 (hg19) VCF-style: chr8-145113523-G-A.
Other names: short protein forms S220L.
Identifiers: ClinVar variation 1048076 (VCV001048076.7), dbSNP rs781785267, ClinGen allele CA4932210.
Genomic context (GRCh38, chr8:144,058,620, plus strand): 5'-TAGGCGTCGGCACAGGCCGTGTGCCCCCGAGGGACGATGCGCACCATGGGCATGGCCTCC[G>A]AGGACAGTGACACGTGCGTGAAGCCCAGCTCCCGGGCCAGCACACCCACCTGCTGCTCAT-3'
Protein context (NP_060040.1, residues 210-230): ELGFTHVSLS[Ser220Leu]EAMPMVRIVP